The following is an entry in ClinVar:

NM_018671.5(UNC45A):c.1453C>A (p.Leu485Ile)

Gene: UNC45A (unc-45 myosin chaperone A; plus strand). Cytogenetic location: 15q26.1.
Variant type: single nucleotide variant.
Coding change: c.1453C>A on transcript NM_018671.5 (MANE Select); coding-DNA position 1453, C replaced by A.
Protein change: p.Leu485Ile; replaces leucine 485 with isoleucine.
Molecular consequence: missense variant.
Genome position (GRCh38, 1-based): chr15:90,946,867, C>A. VCF-style: chr15-90946867-C-A. GRCh37 (hg19) VCF-style: chr15-91490097-C-A.
Other names: c.1408C>A, p.Leu470Ile (NM_001039675.2, NM_001323621.2); c.1453C>A, p.Leu485Ile (NM_001323619.1); c.1018C>A, p.Leu340Ile (NM_001323620.2); c.1453C>A (NM_018671.3); short protein forms L485I, L340I, L470I.
Identifiers: ClinVar variation 2195460 (VCV002195460.2), dbSNP rs762244260, ClinGen allele CA7742905.

ClinVar aggregate classification (germline): Uncertain significance. Review status: criteria provided, multiple submitters, no conflicts (2 of 4 stars). 2 submissions from 2 submitters: Uncertain significance (2). Last evaluated 2022-12-28.

Conditions:
Inborn genetic diseases. Identifiers: MedGen C0950123, MeSH D030342.

Allele frequency attached by ClinVar (database versions not stated): ExAC 0.00001; gnomAD 0.00001; TOPMed 0.00001.
gnomAD v4.1: 91 of 1,577,378 alleles (0.0058%); highest among the groups gnomAD compares: Non-Finnish European, 0.0077%; no homozygotes.

Submissions (2):

Ambry Genetics
Classification: Uncertain significance for Inborn genetic diseases. Last evaluated: 2022-12-28. Review status: criteria provided, single submitter. Criteria: Ambry Variant Classification Scheme 2023. Collection method: clinical testing. Allele origin: germline.

Labcorp Genetics (formerly Invitae), Labcorp
Classification: Uncertain significance. Last evaluated: 2022-02-20. Review status: criteria provided, single submitter. Criteria: Invitae Variant Classification Sherloc (09022015). Collection method: clinical testing. Allele origin: germline.
Comment: This sequence change replaces leucine, which is neutral and non-polar, with isoleucine, which is neutral and non-polar, at codon 485 of the UNC45A protein (p.Leu485Ile). This variant is present in population databases (rs762244260, gnomAD 0.0009%). This variant has not been reported in the literature in individuals affected with UNC45A-related conditions. Experimental studies and prediction algorithms are not available or were not evaluated, and the functional significance of this variant is currently unknown. In summary, the available evidence is currently insufficient to determine the role of this variant in disease. Therefore, it has been classified as a Variant of Uncertain Significance.